The following is an entry in ClinVar:

ClinVar aggregate classification (germline): Uncertain significance (1 of 4 stars; one submission).

Submission:

CeGaT Center for Human Genetics Tuebingen
Classification: Uncertain significance. Last evaluated: 2023-02-01. Review status: criteria provided, single submitter. Criteria: CeGaT Center For Human Genetics Tuebingen Variant Classification Criteria Version 2. Collection method: clinical testing. Allele origin: germline. Affected: yes. Observed: 1 variant allele.
Comment: MYRF: PM2, BP4

NM_001127392.3(MYRF):c.2555A>G (p.Gln852Arg)

Gene: MYRF (myelin regulatory factor; plus strand). Cytogenetic location: 11q12.2.
Variant type: single nucleotide variant.
Coding change: c.2555A>G on transcript NM_001127392.3 (MANE Select); coding-DNA position 2555, A replaced by G.
Protein change: p.Gln852Arg; replaces glutamine 852 with arginine.
Molecular consequence: missense variant.
Genome position (GRCh38, 1-based): chr11:61,781,028, A>G. VCF-style: chr11-61781028-A-G. GRCh37 (hg19) VCF-style: chr11-61548500-A-G.
Other names: c.2450A>G, p.Gln817Arg (NM_013279.4); short protein forms Q817R, Q852R.
Identifiers: ClinVar variation 2641837 (VCV002641837.24), dbSNP rs2540996963, ClinGen allele CA380860530.
Genomic context (GRCh38, chr11:61,781,028, plus strand): 5'-AGAGCTTTGGGACCACGCAGCTCCGACAGTCCCCCTTGACCACGGGGCTACCAGGCATAC[A>G]GCCCTCTTTGCTGCTGGGTGCGTGTCTGGGCAGGTCTGGGTAGGACAGGGAGGTTGCTAT-3'
Protein context (NP_001120864.1, residues 842-862): SPLTTGLPGI[Gln852Arg]PSLLLVTTSL